The following is an entry in ClinVar:

ClinVar aggregate classification (germline): Pathogenic/Likely pathogenic. Review status: criteria provided, multiple submitters, no conflicts (2 of 4 stars). 9 submissions from 9 submitters: Pathogenic (5); Likely pathogenic (2). 2 of the submissions do not count toward it. Last evaluated 2025-10-26.

Conditions:
Wiedemann-Rautenstrauch-like progeroid syndrome.
PYCR1-related disorder. Also called: PYCR1-related condition.
Cutis laxa. Identifiers: Orphanet 209, MedGen C0010495, MONDO:0016175, HP:0000973.
PYCR1-related de Barsy syndrome. Also called: CUTIS LAXA, AUTOSOMAL RECESSIVE, TYPE IIIB; DE BARSY SYNDROME B. Identifiers: Orphanet 293633, Orphanet 2962, MedGen C3280799, MONDO:0013755, OMIM 614438.
Autosomal recessive cutis laxa type 2B (ARCL2B). Also called: CUTIS LAXA, AUTOSOMAL RECESSIVE, TYPE IIB; CUTIS LAXA WITH PROGEROID FEATURES. Identifiers: Orphanet 357064, MedGen C2751987, MONDO:0013051, OMIM 612940. Disease mechanism: loss of function.

Allele frequency attached by ClinVar (database versions not stated): gnomAD exomes 0.00001; ExAC 0.00003; 1000 Genomes Project 0.00040; 1000 Genomes Project 30x 0.00047; TOPMed 0.00004.
gnomAD v4.1: 22 of 1,609,820 alleles (0.0014%); highest among the groups gnomAD compares: African/African-American, 0.011%; no homozygotes.

Submissions (9):

Labcorp Genetics (formerly Invitae), Labcorp
Classification: Likely pathogenic. Last evaluated: 2025-10-26. Review status: criteria provided, single submitter. Criteria: Invitae Variant Classification Sherloc (09022015). Collection method: clinical testing. Allele origin: germline.
Comment: This sequence change replaces arginine, which is basic and polar, with histidine, which is basic and polar, at codon 119 of the PYCR1 protein (p.Arg119His). This variant is present in population databases (rs121918377, gnomAD 0.007%). This missense change has been observed in individuals with autosomal recessive cutis laxa (PMID: 19648921, 23963297, 30450527). ClinVar contains an entry for this variant (Variation ID: 13197). Invitae Evidence Modeling of protein sequence and biophysical properties (such as structural, functional, and spatial information, amino acid conservation, physicochemical variation, residue mobility, and thermodynamic stability) indicates that this missense variant is expected to disrupt PYCR1 protein function with a positive predictive value of 80%. Experimental studies have shown that this missense change affects PYCR1 function (PMID: 28194412). This variant disrupts the p.Arg119 amino acid residue in PYCR1. Other variant(s) that disrupt this residue have been determined to be pathogenic (PMID: 23963297, 24035636, 25865492, 30450527). This suggests that this residue is clinically significant, and that variants that disrupt this residue are likely to be disease-causing. In summary, the currently available evidence indicates that the variant is pathogenic, but additional data are needed to prove that conclusively. Therefore, this variant has been classified as Likely Pathogenic.

Daryl Scott Lab, Baylor College of Medicine
Classification: Pathogenic for PYCR1-related disorder. Last evaluated: 2025-08-25. Review status: criteria provided, single submitter. Criteria: ACMG Guidelines, 2015. Collection method: clinical testing. Allele origin: unknown. Affected: yes.
Comment: PS4, PM5, PP3

Women's Health and Genetics/Laboratory Corporation of America, LabCorp
Classification: Pathogenic for Cutis laxa. Last evaluated: 2025-01-29. Review status: criteria provided, single submitter. Criteria: LabCorp Variant Classification Summary - May 2015. Collection method: clinical testing. Allele origin: germline.
Comment: Variant summary: PYCR1 c.356G>A (p.Arg119His) results in a non-conservative amino acid change in the encoded protein sequence. Five of five in-silico tools predict a damaging effect of the variant on protein function. The variant allele was found at a frequency of 1.2e-05 in 246834 control chromosomes. c.356G>A has been reported in the literature in multiple individuals affected with Cutis Laxa - PYCR1 Related (Reversade_2017). These data indicate that the variant is very likely to be associated with disease. A different variant affecting the same codon has been classified as pathogenic by our lab (c.355C>T, p.Arg119Cys), supporting the critical relevance of codon 119 to PYCR1 protein function. At least one publication reports experimental evidence evaluating an impact on protein function. The most pronounced variant effect results in <10% of normal activity (Li_2017). The following publications have been ascertained in the context of this evaluation (PMID: 28194412, 19648921). ClinVar contains an entry for this variant (Variation ID: 13197). Based on the evidence outlined above, the variant was classified as pathogenic.

GeneDx
Classification: Pathogenic. Last evaluated: 2023-06-05. Review status: criteria provided, single submitter. Criteria: GeneDx Variant Classification Process June 2021. Collection method: clinical testing. Allele origin: germline. Affected: yes.
Comment: Functional studies using recombinant protein expressed and purified in E.coli showed negligible enzyme activity (Li et al., 2017); Not observed at significant frequency in large population cohorts (gnomAD); In silico analysis supports that this missense variant has a deleterious effect on protein structure/function; This variant is associated with the following publications: (PMID: 18348262, 19648921, 30450527, 28194412)

Institute of Medical Genetics and Applied Genomics, University Hospital Tübingen
Classification: Likely pathogenic. Last evaluated: 2021-06-17. Review status: criteria provided, single submitter. Criteria: ACMG Guidelines, 2015. Collection method: clinical testing. Allele origin: germline. Inheritance: Autosomal recessive inheritance. Affected: yes.

Baylor Genetics
Classification: Pathogenic for Autosomal recessive cutis laxa type 2B. Last evaluated: 2020-01-20. Review status: criteria provided, single submitter. Criteria: ACMG Guidelines, 2015. Collection method: clinical testing. Allele origin: unknown. Affected: yes.
Comment: This variant was determined to be pathogenic according to ACMG Guidelines, 2015 [PMID:25741868].

Department of Genetics, Sultan Qaboos University Hospital
Classification: Pathogenic for PYCR1-related de Barsy syndrome. Last evaluated: 2017-12-30. Review status: criteria provided, single submitter. Criteria: ACMG Guidelines, 2015. Collection method: curation. Allele origin: unknown. Affected: yes.

OMIM
Classification: Pathogenic for CUTIS LAXA, AUTOSOMAL RECESSIVE, TYPE IIB. Last evaluated: 2009-09-01. Review status: no assertion criteria provided. Collection method: literature only. Allele origin: germline. Not counted in ClinVar's aggregate classification.

University of Washington Center for Mendelian Genomics, University of Washington
Classification: Likely pathogenic for Wiedemann-Rautenstrauch-like progeroid syndrome. Review status: no assertion criteria provided. Collection method: research. Allele origin: inherited. Affected: yes. Not counted in ClinVar's aggregate classification.

Literature cited by the submitters: PubMed 19648921 (cited by 3 submitters); PubMed 23963297 (cited by Labcorp Genetics (formerly Invitae), Labcorp); PubMed 30450527 (cited by Labcorp Genetics (formerly Invitae), Labcorp and University of Washington Center for Mendelian Genomics, University of Washington); PubMed 28194412 (cited by Labcorp Genetics (formerly Invitae), Labcorp and Women's Health and Genetics/Laboratory Corporation of America, LabCorp); PubMed 24035636 (cited by Labcorp Genetics (formerly Invitae), Labcorp); PubMed 25865492 (cited by Labcorp Genetics (formerly Invitae), Labcorp); PubMed 18348262 (cited by OMIM).

NM_006907.4(PYCR1):c.356G>A (p.Arg119His)

Gene: PYCR1 (pyrroline-5-carboxylate reductase 1; minus strand). Cytogenetic location: 17q25.3.
Variant type: single nucleotide variant.
Coding change: c.356G>A on transcript NM_006907.4 (MANE Select); coding-DNA position 356, G replaced by A.
Protein change: p.Arg119His; replaces arginine 119 with histidine.
Molecular consequence: missense variant.
Genome position (GRCh38, 1-based): chr17:81,935,110, C>T on the plus strand (G>A on the coding strand, the complement: PYCR1 is on the minus strand). VCF-style: chr17-81935110-C-T. GRCh37 (hg19) VCF-style: chr17-79892986-C-T.
Other names: c.356G>A, p.Arg119His (NM_001282279.2, NM_001282280.2, NM_001330523.2 and 1 more transcripts); c.437G>A, p.Arg146His (NM_001282281.2); short protein forms R119H, R146H.
Identifiers: ClinVar variation 13197 (VCV000013197.12), dbSNP rs121918377, ClinGen allele CA122956.